The following is an entry in ClinVar:

NM_144631.6(ZNF513):c.857T>C (p.Leu286Pro)

Gene: ZNF513 (zinc finger protein 513; minus strand). Cytogenetic location: 2p23.3.
Variant type: single nucleotide variant.
Coding change: c.857T>C on transcript NM_144631.6 (MANE Select); coding-DNA position 857, T replaced by C.
Protein change: p.Leu286Pro; replaces leucine 286 with proline.
Molecular consequence: missense variant.
Genome position (GRCh38, 1-based): chr2:27,378,314, A>G on the plus strand (T>C on the coding strand, the complement: ZNF513 is on the minus strand). VCF-style: chr2-27378314-A-G. GRCh37 (hg19) VCF-style: chr2-27601181-A-G.
Other names: c.671T>C, p.Leu224Pro (NM_001201459.2); c.857T>C (NM_144631.5); short protein forms L224P, L286P.
Identifiers: ClinVar variation 3607424 (VCV003607424.3).

ClinVar aggregate classification (germline): Uncertain significance. Review status: criteria provided, multiple submitters, no conflicts (2 of 4 stars). 2 submissions from 2 submitters: Uncertain significance (2). Last evaluated 2025-07-02.

gnomAD v4.1: 2 of 1,601,182 alleles (0.00012%); highest among the groups gnomAD compares: Non-Finnish European, 0.00017%; no homozygotes.

Submissions (2):

Ambry Genetics
Classification: Uncertain significance. Last evaluated: 2025-07-02. Review status: criteria provided, single submitter. Criteria: Ambry Variant Classification Scheme 2023. Collection method: clinical testing. Allele origin: germline.

Labcorp Genetics (formerly Invitae), Labcorp
Classification: Uncertain significance. Last evaluated: 2024-07-22. Review status: criteria provided, single submitter. Criteria: Invitae Variant Classification Sherloc (09022015). Collection method: clinical testing. Allele origin: germline.
Comment: This sequence change replaces leucine, which is neutral and non-polar, with proline, which is neutral and non-polar, at codon 286 of the ZNF513 protein (p.Leu286Pro). This variant is not present in population databases (gnomAD no frequency). This variant has not been reported in the literature in individuals affected with ZNF513-related conditions. An algorithm developed to predict the effect of missense changes on protein structure and function (PolyPhen-2) suggests that this variant is likely to be disruptive. In summary, the available evidence is currently insufficient to determine the role of this variant in disease. Therefore, it has been classified as a Variant of Uncertain Significance.